The following is an entry in ClinVar:

NM_003611.3(OFD1):c.324G>A (p.Met108Ile)

Gene: OFD1 (OFD1 centriole and centriolar satellite protein; plus strand). Cytogenetic location: Xp22.2.
Variant type: single nucleotide variant.
Coding change: c.324G>A on transcript NM_003611.3 (MANE Select); coding-DNA position 324, G replaced by A.
Protein change: p.Met108Ile; replaces methionine 108 with isoleucine.
Molecular consequence: missense variant. On other transcripts: 5 prime UTR variant (1).
Genome position (GRCh38, 1-based): chrX:13,738,857, G>A. VCF-style: chrX-13738857-G-A. GRCh37 (hg19) VCF-style: chrX-13756976-G-A.
Other names: c.324G>A, p.Met108Ile (NM_001330209.2); c.-222G>A (NM_001330210.2); short protein forms M108I.
Identifiers: ClinVar variation 571289 (VCV000571289.15), dbSNP rs763219658, ClinGen allele CA10351574.
Genomic context (GRCh38, chrX:13,738,857, plus strand): 5'-AAACACTGATATAAAAATATGTCTACTTAGTAACCTATTTTTTCTTAAGGTATTTACTAT[G>A]CAGGATCTATTACAACTCATTAAAATCAACCCTACTTCCAGTCTCTACAAATCACTGGTA-3'
Protein context (NP_003602.1, residues 98-118): SGLAKEKVFT[Met108Ile]QDLLQLIKIN

ClinVar aggregate classification (germline): Conflicting classifications of pathogenicity. Review status: criteria provided, conflicting classifications (1 of 4 stars). 5 submissions from 5 submitters: Likely pathogenic (1); Uncertain significance (3); Likely benign (1). Last evaluated 2025-01-23.

Conditions:
Joubert syndrome. Also called: JOUBERT-BOLTSHAUSER SYNDROME; Familial aplasia of the vermis. Identifiers: Orphanet 475, MedGen C5979921, MONDO:0018772.
Orofaciodigital syndrome I (OFD1). Also called: Papillon-Leage and Psaume Syndrome; Oral-Facial-Digital Syndrome Type I; OFDS I. Identifiers: Orphanet 2750, MedGen C1510460, MONDO:0010702, OMIM 311200.
Simpson-Golabi-Behmel syndrome type 2. Identifiers: Orphanet 79022, MedGen C1846175, MONDO:0010265, OMIM 300209.
Retinitis pigmentosa 23 (RP23). Identifiers: Orphanet 791, MedGen C1419610, MONDO:0010320, OMIM 300424.
Joubert syndrome 10 (JBTS10). Identifiers: Orphanet 2754, MedGen C2749019, MONDO:0010431, OMIM 300804.

Allele frequency attached by ClinVar (database versions not stated): gnomAD exomes below 0.00001 and 0.00001; gnomAD 0.00002 and 0.00003; ExAC 0.00003.

Submissions (5):

Labcorp Genetics (formerly Invitae), Labcorp
Classification: Likely pathogenic for Orofaciodigital syndrome I; Joubert syndrome. Last evaluated: 2025-01-23. Review status: criteria provided, single submitter. Criteria: Invitae Variant Classification Sherloc (09022015). Collection method: clinical testing. Allele origin: germline.
Comment: This sequence change replaces methionine, which is neutral and non-polar, with isoleucine, which is neutral and non-polar, at codon 108 of the OFD1 protein (p.Met108Ile). This variant is present in population databases (rs763219658, gnomAD 0.005%). This missense change has been observed in individual(s) with OFD1-related conditions (internal data). ClinVar contains an entry for this variant (Variation ID: 571289). Invitae Evidence Modeling of protein sequence and biophysical properties (such as structural, functional, and spatial information, amino acid conservation, physicochemical variation, residue mobility, and thermodynamic stability) indicates that this missense variant is not expected to disrupt OFD1 protein function with a negative predictive value of 80%. In summary, the currently available evidence indicates that the variant is pathogenic, but additional data are needed to prove that conclusively. Therefore, this variant has been classified as Likely Pathogenic.

Blueprint Genetics
Classification: Likely benign. Last evaluated: 2024-07-12. Review status: criteria provided, single submitter. Criteria: ACMG Guidelines, 2015. Collection method: clinical testing. Allele origin: germline.

Women's Health and Genetics/Laboratory Corporation of America, LabCorp
Classification: Uncertain significance. Last evaluated: 2023-08-24. Review status: criteria provided, single submitter. Criteria: LabCorp Variant Classification Summary - May 2015. Collection method: clinical testing. Allele origin: germline.
Comment: Variant summary: OFD1 c.324G>A (p.Met108Ile) results in a conservative amino acid change in the encoded protein sequence. Five of five in-silico tools predict a benign effect of the variant on protein function. The variant allele was found at a frequency of 1.1e-05 in 182340 control chromosomes (gnomAD). The available data on variant occurrences in the general population are insufficient to allow any conclusion about variant significance. To our knowledge, no occurrence of c.324G>A in individuals affected with Orofaciodigital Syndrome I and no experimental evidence demonstrating its impact on protein function have been reported. Three submitters have cited clinical-significance assessments for this variant to ClinVar after 2014, and classified it as uncertain significance (n=2) or likely pathogenic (n=1). Based on the evidence outlined above, the variant was classified as uncertain significance.

Revvity Omics, Revvity
Classification: Uncertain significance. Last evaluated: 2021-08-02. Review status: criteria provided, single submitter. Criteria: ACMG Guidelines, 2015. Collection method: clinical testing. Allele origin: germline.

Fulgent Genetics
Classification: Uncertain significance for Simpson-Golabi-Behmel syndrome type 2; Retinitis pigmentosa 23; Joubert syndrome 10; Orofaciodigital syndrome I. Last evaluated: 2018-10-31. Review status: criteria provided, single submitter. Criteria: ACMG Guidelines, 2015. Collection method: clinical testing. Allele origin: unknown.